The following is an entry in ClinVar:

NM_001605.3(AARS1):c.181C>T (p.His61Tyr)

Gene: AARS1 (alanyl-tRNA synthetase 1; minus strand). Cytogenetic location: 16q22.1.
Variant type: single nucleotide variant.
Coding change: c.181C>T on transcript NM_001605.3 (MANE Select); coding-DNA position 181, C replaced by T.
Protein change: p.His61Tyr; replaces histidine 61 with tyrosine.
Molecular consequence: missense variant.
Genome position (GRCh38, 1-based): chr16:70,277,118, G>A on the plus strand (C>T on the coding strand, the complement: AARS1 is on the minus strand). VCF-style: chr16-70277118-G-A. GRCh37 (hg19) VCF-style: chr16-70311021-G-A.
Other names: short protein forms H61Y.
Identifiers: ClinVar variation 4885935 (VCV004885935.2).

ClinVar aggregate classification (germline): Uncertain significance (1 of 4 stars; one submission).

Submission:

Dasa
Classification: Uncertain significance. Last evaluated: 2025-01-06. Review status: criteria provided, single submitter. Criteria: DASA Assertion Criteria. Collection method: clinical testing. Allele origin: germline.
Comment: NM_001605.3(AARS):c.181C>T (p.His61Tyr) is a missense variant that results in the substitution of histidine with tyrosine. This variant is absent from population databases. Computational prediction algorithms are consistent with a benign effect. The currently available literature and clinical evidence are not sufficient to establish a definitive association between this variant and the reported condition. Therefore, this variant is classified as a variant of uncertain significance.